The following is an entry in ClinVar:

NM_000443.4(ABCB4):c.1449CAC[1] (p.Thr485del)

Gene: ABCB4 (ATP binding cassette subfamily B member 4; minus strand). Cytogenetic location: 7q21.12.
Variant type: Microsatellite.
Coding change: c.1449CAC[1] on transcript NM_000443.4 (MANE Select); one copy of the 3-base unit CAC starting at c.1449; the reference has two copies in a row; one copy, 3 bases deleted; also written c.1452_1454del.
Protein change: p.Thr485del; deletes threonine 485.
Molecular consequence: inframe deletion.
Genome position (GRCh38, 1-based): chr7:87,440,305-87,440,307, GTG deleted on the plus strand (CAC on the coding strand, the reverse complement: ABCB4 is on the minus strand); deleting any 3 consecutive bases within chr7:87,440,305-87,440,311 gives the same sequence; the position shown is the placement nearest the transcript's 3' end. VCF-style (leftmost placement, unchanged base first): chr7-87440304-TGTG-T. GRCh37 (hg19) VCF-style: chr7-87069620-TGTG-T.
Other names: c.1449CAC[1], p.Thr485del (NM_018849.3, NM_018850.3); c.1452_1454del (NM_018849.3, NM_000443.4); short protein forms T485del.
Identifiers: ClinVar variation 2445978 (VCV002445978.3), dbSNP rs2546829869, ClinGen allele CA2580617885.

ClinVar aggregate classification (germline): Uncertain significance. Review status: criteria provided, single submitter (1 of 4 stars). 2 submissions from 2 submitters: Uncertain significance (1). 1 of the submissions does not count toward it. Last evaluated 2026-04-14.

Conditions:
Familial intrahepatic cholestasis. Identifiers: Orphanet 284385, MedGen CN296401, MONDO:0017290.
Intrahepatic cholestasis. Identifiers: MedGen C0008372, MONDO:0019072, HP:0001406.

Submissions (2):

Genomenon, Inc
Classification: Uncertain significance for Familial intrahepatic cholestasis. Last evaluated: 2026-04-14. Review status: criteria provided, single submitter. Criteria: Genomenon Sequence Variant Interpretation Standards - Updated. Collection method: curation. Allele origin: germline. Affected: yes.
Comment: ABCB4 p.Thr485del (c.1452_1454del) is an in-frame deletion variant that results in the deletion of a single amino acid, Threonine at residue 485. This variant has been observed in at least one proband with an ABCB4-related disorder (PMID:37787087). The variant was found to segregate with disease in at least one affected family (PMID:37787087). It is absent or not present at a significant frequency in gnomAD. In conclusion, we classify ABCB4 p.Thr485del (c.1452_1454del) as a variant of uncertain significance.

State Key Laboratory for Diagnosis & Treatment of Infectious Diseases, First Affiliated Hospital, School Of Medicine, Zhejiang University
Classification: Likely pathogenic for Intrahepatic cholestasis. Review status: no assertion criteria provided. Collection method: clinical testing. Allele origin: maternal. Affected: yes. Not counted in ClinVar's aggregate classification.
Comment: Diagnosis of heterozygous deletion mutation p.Thr485del in ABCB4 was revealed by genetic sequencing in both cases and the female’s mother. This mutation caused clinical spectrums of ICP, neonatal hyperbilirubinemia, and cholelithiasis in our pedigree.

Literature cited by the submitters: PubMed 37787087 (cited by Genomenon, Inc).